The following is an entry in ClinVar:

ClinVar aggregate classification (germline): Uncertain significance (1 of 4 stars; one submission).

Conditions:
Hereditary cancer-predisposing syndrome. Also called: Neoplastic Syndromes, Hereditary; Tumor predisposition; Hereditary Cancer Syndrome; Hereditary neoplastic syndrome. Identifiers: Orphanet 140162, MedGen C0027672, MeSH D009386, MONDO:0015356.

Submission:

Color Diagnostics, LLC DBA Color Health
Classification: Uncertain significance for Hereditary cancer-predisposing syndrome. Last evaluated: 2019-11-05. Review status: criteria provided, single submitter. Criteria: ACMG Guidelines, 2015. Collection method: clinical testing. Allele origin: germline.
Comment: This missense variant replaces proline with leucine at codon 1453 of the APC protein. Computational prediction tool suggests that this variant may not impact protein structure and function (internally defined REVEL score threshold ≤0.5, PMID: 27666373). Splice site prediction tools suggest that this variant may not impact RNA splicing. To our knowledge, functional studies have not been performed for this variant. This variant has not been reported in individuals affected with hereditary cancer in the literature. This variant has not been identified in the general population by the Genome Aggregation Database (gnomAD). The available evidence is insufficient to determine the role of this variant in disease conclusively. Therefore, this variant is classified as a Variant of Uncertain Significance.

NM_000038.6(APC):c.4358C>T (p.Pro1453Leu)

Gene: APC (APC regulator of Wnt signaling pathway; plus strand). Cytogenetic location: 5q22.2.
Variant type: single nucleotide variant.
Coding change: c.4358C>T on transcript NM_000038.6 (MANE Select); coding-DNA position 4358, C replaced by T.
Protein change: p.Pro1453Leu; replaces proline 1453 with leucine.
Molecular consequence: missense variant.
Genome position (GRCh38, 1-based): chr5:112,839,952, C>T. VCF-style: chr5-112839952-C-T. GRCh37 (hg19) VCF-style: chr5-112175649-C-T.
Other names: c.4358C>T, p.Pro1453Leu (NM_001127510.3, NM_001354895.2); c.4304C>T, p.Pro1435Leu (NM_001127511.3); c.4412C>T, p.Pro1471Leu (NM_001354896.2); c.4388C>T, p.Pro1463Leu (NM_001354897.2); c.4283C>T, p.Pro1428Leu (NM_001354898.2); c.4274C>T, p.Pro1425Leu (NM_001354899.2); c.4235C>T, p.Pro1412Leu (NM_001354900.2); c.4181C>T, p.Pro1394Leu (NM_001354901.2); and 5 more; short protein forms P1352L, P1362L, P1425L, P1435L, P1293L, P1412L, P1428L, P1463L.
Identifiers: ClinVar variation 926474 (VCV000926474.3), dbSNP rs1765661629, ClinGen allele CA16030878.
Genomic context (GRCh38, chr5:112,839,952, plus strand): 5'-CAAGCAGAAGTAAAACACCTCCACCACCTCCTCAAACAGCTCAAACCAAGCGAGAAGTAC[C>T]TAAAAATAAAGCACCTACTGCTGAAAAGAGAGAGAGTGGACCTAAGCAAGCTGCAGTAAA-3'
Protein context (NP_000029.2, residues 1443-1463): PQTAQTKREV[Pro1453Leu]KNKAPTAEKR